The following is an entry in ClinVar:

NM_001009944.3(PKD1):c.4804C>T (p.Arg1602Cys)

Gene: PKD1 (polycystin 1, transient receptor potential channel interacting; minus strand). Cytogenetic location: 16p13.3.
Variant type: single nucleotide variant.
Coding change: c.4804C>T on transcript NM_001009944.3 (MANE Select); coding-DNA position 4804, C replaced by T.
Protein change: p.Arg1602Cys; replaces arginine 1602 with cysteine.
Molecular consequence: missense variant.
Genome position (GRCh38, 1-based): chr16:2,110,363, G>A on the plus strand (C>T on the coding strand, the complement: PKD1 is on the minus strand). VCF-style: chr16-2110363-G-A. GRCh37 (hg19) VCF-style: chr16-2160364-G-A.
Other names: c.4804C>T, p.Arg1602Cys (NM_000296.4); short protein forms R1602C.
Identifiers: ClinVar variation 4927862 (VCV004927862.2).

ClinVar aggregate classification (germline): Uncertain significance. Review status: criteria provided, multiple submitters, no conflicts (2 of 4 stars). 2 submissions from 2 submitters: Uncertain significance (2). Last evaluated 2025-07-15.

Conditions:
PKD1-related disorder. Also called: PKD1-related condition.

gnomAD v4.1: 36 of 1,612,494 alleles (0.0022%); highest among the groups gnomAD compares: Admixed American, 0.0033%; no homozygotes.

Submissions (2):

PreventionGenetics, part of Exact Sciences
Classification: Uncertain significance for PKD1-related condition. Last evaluated: 2025-07-15. Review status: criteria provided, single submitter. Criteria: ACMG Guidelines, 2015. Collection method: clinical testing. Allele origin: germline.
Comment: The PKD1 c.4804C>T variant is predicted to result in the amino acid substitution p.Arg1602Cys. To our knowledge, this variant has not been reported in the literature. This variant is reported in 0.011% of alleles in individuals of East Asian descent in gnomAD. Although we suspect that this variant may be benign, at this time, the clinical significance of this variant is uncertain due to the absence of conclusive functional and genetic evidence.

Blueprint Genetics
Classification: Uncertain significance. Last evaluated: 2024-05-03. Review status: criteria provided, single submitter. Criteria: ACMG Guidelines, 2015. Collection method: clinical testing. Allele origin: germline.